The following is an entry in ClinVar:

NM_001242896.3(DEPDC5):c.2080G>A (p.Gly694Ser)

Gene: DEPDC5 (DEP domain containing 5, GATOR1 subcomplex subunit; plus strand). Cytogenetic location: 22q12.3.
Variant type: single nucleotide variant.
Coding change: c.2080G>A on transcript NM_001242896.3 (MANE Select); coding-DNA position 2080, G replaced by A.
Protein change: p.Gly694Ser; replaces glycine 694 with serine.
Molecular consequence: missense variant. On other transcripts: non-coding transcript variant (4), intron variant (3).
Genome position (GRCh38, 1-based): chr22:31,822,766, G>A. VCF-style: chr22-31822766-G-A. GRCh37 (hg19) VCF-style: chr22-32218752-G-A.
Other names: c.2080G>A, p.Gly694Ser (NM_001136029.4, NM_001363852.2, NM_001364318.2 and 3 more transcripts); c.1996G>A, p.Gly666Ser (NM_001369901.1, NM_001369902.1); c.1870+3541G>A (NM_001363854.2, NM_001242897.2, NM_001364319.2); short protein forms G666S, G694S.
Identifiers: ClinVar variation 1305907 (VCV001305907.4), dbSNP rs1455814934, ClinGen allele CA411283405.

ClinVar aggregate classification (germline): Uncertain significance. Review status: criteria provided, multiple submitters, no conflicts (2 of 4 stars). 2 submissions from 2 submitters: Uncertain significance (2). Last evaluated 2024-03-16.

Conditions:
Familial focal epilepsy with variable foci (FPEVF). Identifiers: Orphanet 98820, MedGen C1858477, MONDO:0020310.

Allele frequency attached by ClinVar (database versions not stated): gnomAD exomes below 0.00001; gnomAD 0.00001; TOPMed 0.00002; 1000 Genomes Project 30x 0.00016.
gnomAD v4.1: 10 of 1,614,016 alleles (0.00062%); highest among the groups gnomAD compares: Non-Finnish European, 0.00085%; no homozygotes.

Submissions (2):

Labcorp Genetics (formerly Invitae), Labcorp
Classification: Uncertain significance for Familial focal epilepsy with variable foci. Last evaluated: 2024-03-16. Review status: criteria provided, single submitter. Criteria: Invitae Variant Classification Sherloc (09022015). Collection method: clinical testing. Allele origin: germline.
Comment: This sequence change replaces glycine, which is neutral and non-polar, with serine, which is neutral and polar, at codon 694 of the DEPDC5 protein (p.Gly694Ser). This variant is present in population databases (no rsID available, gnomAD 0.0009%). This variant has not been reported in the literature in individuals affected with DEPDC5-related conditions. ClinVar contains an entry for this variant (Variation ID: 1305907). Algorithms developed to predict the effect of missense changes on protein structure and function output the following: SIFT: "Not Available"; PolyPhen-2: "Not Available"; Align-GVGD: "Not Available". The serine amino acid residue is found in multiple mammalian species, which suggests that this missense change does not adversely affect protein function. In summary, the available evidence is currently insufficient to determine the role of this variant in disease. Therefore, it has been classified as a Variant of Uncertain Significance.

GeneDx
Classification: Uncertain significance. Last evaluated: 2019-05-17. Review status: criteria provided, single submitter. Criteria: GeneDx Variant Classification Process June 2021. Collection method: clinical testing. Allele origin: germline. Affected: yes.
Comment: Not observed at a significant frequency in large population cohorts (Lek et al., 2016); In silico analysis, which includes protein predictors and evolutionary conservation, supports that this variant does not alter protein structure/function; Has not been previously published as pathogenic or benign to our knowledge